The following is an entry in ClinVar:

ClinVar aggregate classification (germline): Uncertain significance (1 of 4 stars; one submission).

Conditions:
Autosomal recessive limb-girdle muscular dystrophy type 2A (LGMDR1). Also called: LEYDEN-MOEBIUS MUSCULAR DYSTROPHY; MUSCULAR DYSTROPHY, PELVOFEMORAL; Limb-girdle muscular dystrophy, type 2A; Calpainopathy; Muscular dystrophy, limb-girdle, type 2A, Amish. Identifiers: Orphanet 267, MedGen C1869123, MONDO:0009675, OMIM 253600. Disease mechanism: loss of function.

Submission:

Labcorp Genetics (formerly Invitae), Labcorp
Classification: Uncertain significance for Autosomal recessive limb-girdle muscular dystrophy type 2A. Last evaluated: 2025-06-09. Review status: criteria provided, single submitter. Criteria: Invitae Variant Classification Sherloc (09022015). Collection method: clinical testing. Allele origin: germline.
Comment: This sequence change falls in intron 18 of the CAPN3 gene. It does not directly change the encoded amino acid sequence of the CAPN3 protein. It affects a nucleotide within the consensus splice site. This variant is not present in population databases (gnomAD no frequency). This variant has not been reported in the literature in individuals affected with CAPN3-related conditions. Variants that disrupt the consensus splice site are a relatively common cause of aberrant splicing (PMID: 17576681, 9536098). Algorithms developed to predict the effect of sequence changes on RNA splicing suggest that this variant is not likely to affect RNA splicing. In summary, the available evidence is currently insufficient to determine the role of this variant in disease. Therefore, it has been classified as a Variant of Uncertain Significance.

Literature cited by the submitters: PubMed 17576681; PubMed 9536098.

NM_000070.3(CAPN3):c.2050+6T>C

Gene: CAPN3 (calpain 3; plus strand). Cytogenetic location: 15q15.1.
Variant type: single nucleotide variant.
Coding change: c.2050+6T>C on transcript NM_000070.3 (MANE Select); 6 bases into the intron after coding-DNA position 2050, T replaced by C.
Molecular consequence: intron variant.
Genome position (GRCh38, 1-based): chr15:42,409,850, T>C. VCF-style: chr15-42409850-T-C. GRCh37 (hg19) VCF-style: chr15-42702048-T-C.
Other names: c.2032+6T>C (NM_024344.2); c.1774+6T>C (NM_173087.2); c.514+6T>C (NM_173088.2); c.55+6T>C (NM_173090.2, NM_173089.2).
Identifiers: ClinVar variation 4797369 (VCV004797369.1).
Genomic context (GRCh38, chr15:42,409,850, plus strand): 5'-ATGGAGATCTGTGCAGATGAGCTCAAGAAGGTCCTTAACACAGTCGTGAACAAACGTGAG[T>C]TGCTCAAACCAAATGGGGGTGGGGTGGGTGGGGAGTCCCGTTGTCTCAAAGCAGCTCCTC-3'